The following is an entry in ClinVar:

NM_001122630.2(CDKN1C):c.425_442dup (p.Val142_Pro147dup)

Gene: CDKN1C (cyclin dependent kinase inhibitor 1C; minus strand). Cytogenetic location: 11p15.4.
Variant type: Duplication.
Coding change: c.425_442dup on transcript NM_001122630.2 (MANE Select); coding-DNA positions 425 to 442, 18 bases duplicated (TCCTGGCTCCAGCCCCGG).
Protein change: p.Val142_Pro147dup.
Molecular consequence: inframe insertion. On other transcripts: intron variant (1).
Genome position (GRCh38, 1-based): chr11:2,885,015-2,885,032, CCGGGGCTGGAGCCAGGA duplicated on the plus strand (TCCTGGCTCCAGCCCCGG on the coding strand, the reverse complement: CDKN1C is on the minus strand); duplicating any 18 consecutive bases within chr11:2,885,015-2,885,037 gives the same sequence; the c. name uses the placement nearest the transcript's 3' end. VCF-style (leftmost placement, unchanged base first): chr11-2885014-G-GCCGGGGCTGGAGCCAGGA. GRCh37 (hg19) VCF-style: chr11-2906244-G-GCCGGGGCTGGAGCCAGGA.
Other names: c.458_475dup, p.Val153_Pro158dup (NM_000076.2, NM_001362474.2); c.425_442dup, p.Val142_Pro147dup (NM_001122631.2); c.255+170_255+187dup (NM_001362475.2).
Identifiers: ClinVar variation 848902 (VCV000848902.11), dbSNP rs1443296311, ClinGen allele CA597432675.

ClinVar aggregate classification (germline): Uncertain significance. Review status: criteria provided, multiple submitters, no conflicts (2 of 4 stars). 3 submissions from 3 submitters: Uncertain significance (3). Last evaluated 2024-07-02.

Conditions:
Beckwith-Wiedemann syndrome (BWS). Also called: EMG SYNDROME; Exomphalos macroglossia gigantism syndrome. Identifiers: Orphanet 116, MedGen C0004903, MONDO:0007534, OMIM 130650.
IMAGe syndrome. Also called: Intrauterine growth retardation, metaphyseal dysplasia, adrenal hypoplasia congenita, and genital anomalies; Intrauterine Growth Restriction, Metaphyseal Dysplasia, Adrenal Hypoplasia Congenita, and Genital Anomalies. Identifiers: Orphanet 85173, MedGen C1846009, MONDO:0013873, OMIM 614732.

Submissions (3):

GeneDx
Classification: Uncertain significance. Last evaluated: 2024-07-02. Review status: criteria provided, single submitter. Criteria: GeneDx Variant Classification Process June 2021. Collection method: clinical testing. Allele origin: germline. Affected: yes.
Comment: In-frame insertion of 6 amino acids in a non-repeat region; Has not been previously published as pathogenic or benign to our knowledge

Labcorp Genetics (formerly Invitae), Labcorp
Classification: Uncertain significance for Beckwith-Wiedemann syndrome. Last evaluated: 2024-06-10. Review status: criteria provided, single submitter. Criteria: Invitae Variant Classification Sherloc (09022015). Collection method: clinical testing. Allele origin: germline.
Comment: This variant, c.458_475dup, results in the insertion of 6 amino acid(s) of the CDKN1C protein (p.Val153_Pro158dup), but otherwise preserves the integrity of the reading frame. The frequency data for this variant in the population databases is considered unreliable, as metrics indicate poor data quality at this position in the gnomAD database. This variant has not been reported in the literature in individuals affected with CDKN1C-related conditions. ClinVar contains an entry for this variant (Variation ID: 848902). Experimental studies and prediction algorithms are not available or were not evaluated, and the functional significance of this variant is currently unknown. RNA analysis performed to evaluate the impact of this variant on mRNA splicing indicates it does not significantly alter splicing (Invitae). In summary, the available evidence is currently insufficient to determine the role of this variant in disease. Therefore, it has been classified as a Variant of Uncertain Significance.

Fulgent Genetics
Classification: Uncertain significance for Beckwith-Wiedemann syndrome; IMAGe syndrome. Last evaluated: 2021-10-27. Review status: criteria provided, single submitter. Criteria: ACMG Guidelines, 2015. Collection method: clinical testing. Allele origin: unknown.